The following is an entry in ClinVar:

NM_001374828.1(ARID1B):c.1619CGG[1] (p.Ala541_Ala543del)

Gene: ARID1B (AT-rich interaction domain 1B; plus strand). Cytogenetic location: 6q25.3.
Variant type: Microsatellite.
Coding change: c.1619CGG[1] on transcript NM_001374828.1 (MANE Select); one copy of the 3-base unit CGG starting at c.1619; the reference has four copies in a row; three copies, 9 bases deleted.
Protein change: p.Ala541_Ala543del.
Genome position (GRCh38, 1-based): chr6:156,779,302-156,779,310, CGGCGGCGG deleted; deleting any 9 consecutive bases within chr6:156,779,297-156,779,310 gives the same sequence; the position shown is the placement nearest the transcript's 3' end. VCF-style (leftmost placement, unchanged base first): chr6-156779296-AGGCGGCGGC-A. GRCh37 (hg19) VCF-style: chr6-157100430-AGGCGGCGGC-A.
Other names: c.1619CGG[1], p.Ala541_Ala543del (NM_001371656.1, NM_001374820.1, NM_017519.3).
Identifiers: ClinVar variation 3667008 (VCV003667008.2).

ClinVar aggregate classification (germline): Uncertain significance (1 of 4 stars; one submission).

Submission:

Labcorp Genetics (formerly Invitae), Labcorp
Classification: Uncertain significance. Last evaluated: 2024-07-31. Review status: criteria provided, single submitter. Criteria: Invitae Variant Classification Sherloc (09022015). Collection method: clinical testing. Allele origin: germline.
Comment: This variant, c.1373_1381del, results in the deletion of 3 amino acid(s) of the ARID1B protein (p.Ala458_Ala460del), but otherwise preserves the integrity of the reading frame. The frequency data for this variant in the population databases is considered unreliable, as metrics indicate insufficient coverage at this position in the gnomAD database. This variant has not been reported in the literature in individuals affected with ARID1B-related conditions. Experimental studies and prediction algorithms are not available or were not evaluated, and the functional significance of this variant is currently unknown. In summary, the available evidence is currently insufficient to determine the role of this variant in disease. Therefore, it has been classified as a Variant of Uncertain Significance.